The following is an entry in ClinVar:

NM_001354604.2(MITF):c.956-4G>A

Gene: MITF (melanocyte inducing transcription factor; plus strand). Cytogenetic location: 3p13.
Variant type: single nucleotide variant.
Coding change: c.956-4G>A on transcript NM_001354604.2 (MANE Select); 4 bases into the intron before coding-DNA position 956, G replaced by A.
Molecular consequence: intron variant.
Genome position (GRCh38, 1-based): chr3:69,956,451, G>A. VCF-style: chr3-69956451-G-A. GRCh37 (hg19) VCF-style: chr3-70005602-G-A.
Other names: c.635-4G>A (NM_000248.3, NM_000248.4); c.887-4G>A (NM_001354607.2); c.782-4G>A (NM_001354608.2, NM_001184967.2); c.938-4G>A (NM_198159.3); c.953-4G>A (NM_001354605.2); c.935-4G>A (NM_001354606.2, NM_006722.3); c.890-4G>A (NM_198177.3); c.617-4G>A (NM_198158.3); and 1 more.
Identifiers: ClinVar variation 2185988 (VCV002185988.7), dbSNP rs765750620, ClinGen allele CA2490522.

ClinVar aggregate classification (germline): Likely benign. Review status: criteria provided, multiple submitters, no conflicts (2 of 4 stars). 3 submissions from 3 submitters: Likely benign (2). 1 of the submissions does not count toward it. Last evaluated 2026-01-27.

Conditions:
Melanoma, cutaneous malignant, susceptibility to, 8. Also called: Cutaneous malignant melanoma 8; MELANOMA AND RENAL CELL CARCINOMA, SUSCEPTIBILITY TO. Identifiers: Orphanet 293822, MedGen C3152204, MONDO:0013759, OMIM 614456.
Tietz syndrome (TADS). Also called: HYPOPIGMENTATION/DEAFNESS OF TIETZ; ALBINISM-DEAFNESS OF TIETZ; TIETZ ALBINISM-DEAFNESS SYNDROME. Identifiers: Orphanet 42665, MedGen C0391816, MONDO:0007077, OMIM 103500.
Waardenburg syndrome type 2A (WS2A). Also called: WAARDENBURG SYNDROME WITHOUT DYSTOPIA CANTHORUM. Identifiers: Orphanet 3440, MedGen C1860339, MONDO:0008671, OMIM 193510.
MITF-related disorder. Also called: MITF-related condition.

Allele frequency attached by ClinVar (database versions not stated): ExAC 0.00001; TOPMed 0.00001; gnomAD 0.00003.
gnomAD v4.1: 18 of 1,611,830 alleles (0.0011%); highest among the groups gnomAD compares: Non-Finnish European, 0.0014%; no homozygotes.

Submissions (3):

Labcorp Genetics (formerly Invitae), Labcorp
Classification: Likely benign for Melanoma, cutaneous malignant, susceptibility to, 8; Waardenburg syndrome type 2A; Tietz syndrome. Last evaluated: 2026-01-27. Review status: criteria provided, single submitter. Criteria: Invitae Variant Classification Sherloc (09022015). Collection method: clinical testing. Allele origin: germline.

Blueprint Genetics
Classification: Likely benign. Last evaluated: 2024-06-14. Review status: criteria provided, single submitter. Criteria: ACMG Guidelines, 2015. Collection method: clinical testing. Allele origin: germline.

PreventionGenetics, part of Exact Sciences
Classification: Likely benign for MITF-related condition. Last evaluated: 2021-07-21. Review status: no assertion criteria provided. Collection method: clinical testing. Allele origin: germline. Not counted in ClinVar's aggregate classification.
Comment: This variant is classified as likely benign based on ACMG/AMP sequence variant interpretation guidelines (Richards et al. 2015 PMID: 25741868, with internal and published modifications).